The following is an entry in ClinVar:

NM_005732.4(RAD50):c.2347G>C (p.Glu783Gln)

Gene: RAD50 (RAD50 double strand break repair protein; plus strand). Cytogenetic location: 5q31.1.
Variant type: single nucleotide variant.
Coding change: c.2347G>C on transcript NM_005732.4 (MANE Select); coding-DNA position 2347, G replaced by C.
Protein change: p.Glu783Gln; replaces glutamic acid 783 with glutamine.
Molecular consequence: missense variant.
Genome position (GRCh38, 1-based): chr5:132,603,439, G>C. VCF-style: chr5-132603439-G-C. GRCh37 (hg19) VCF-style: chr5-131939131-G-C.
Other names: short protein forms E783Q.
Identifiers: ClinVar variation 3312305 (VCV003312305.1).

ClinVar aggregate classification (germline): Uncertain significance (1 of 4 stars; one submission).

Conditions:
Hereditary cancer-predisposing syndrome. Also called: Neoplastic Syndromes, Hereditary; Tumor predisposition; Hereditary neoplastic syndrome; Hereditary Cancer Syndrome. Identifiers: Orphanet 140162, MedGen C0027672, MeSH D009386, MONDO:0015356.

gnomAD v4.1: 1 of 1,614,016 alleles (0.000062%); highest among the groups gnomAD compares: East Asian, 0.0022%; no homozygotes.

Submission:

Ambry Genetics
Classification: Uncertain significance for Hereditary cancer-predisposing syndrome. Last evaluated: 2024-03-27. Review status: criteria provided, single submitter. Criteria: Ambry Variant Classification Scheme 2023. Collection method: clinical testing. Allele origin: germline.
Comment: The p.E783Q variant (also known as c.2347G>C), located in coding exon 14 of the RAD50 gene, results from a G to C substitution at nucleotide position 2347. The glutamic acid at codon 783 is replaced by glutamine, an amino acid with highly similar properties. This amino acid position is conserved. In addition, the in silico prediction for this alteration is inconclusive. Based on the available evidence, the clinical significance of this alteration remains unclear.